The following is an entry in ClinVar:

NM_001355436.2(SPTB):c.4892G>A (p.Arg1631His)

Gene: SPTB (spectrin beta, erythrocytic; minus strand). Cytogenetic location: 14q23.3.
Variant type: single nucleotide variant.
Coding change: c.4892G>A on transcript NM_001355436.2 (MANE Select); coding-DNA position 4892, G replaced by A.
Protein change: p.Arg1631His; replaces arginine 1631 with histidine.
Molecular consequence: missense variant.
Genome position (GRCh38, 1-based): chr14:64,774,478, C>T on the plus strand (G>A on the coding strand, the complement: SPTB is on the minus strand). VCF-style: chr14-64774478-C-T. GRCh37 (hg19) VCF-style: chr14-65241196-C-T.
Other names: NM_000347.5:c.4892G>A; c.4892G>A, p.Arg1631His (NM_001024858.4, NM_001355437.2); short protein forms R1631H.
Identifiers: ClinVar variation 1303278 (VCV001303278.2), dbSNP rs201082918, ClinGen allele CA7230157.

ClinVar aggregate classification (germline): Uncertain significance (1 of 4 stars; one submission).

Allele frequency attached by ClinVar (database versions not stated): gnomAD 0.00002 and 0.00003; ExAC 0.00009; 1000 Genomes Project 30x 0.00031; 1000 Genomes Project 0.00040.
gnomAD v4.1: 58 of 1,556,216 alleles (0.0037%); highest among the groups gnomAD compares: East Asian, 0.024%; no homozygotes.

Submission:

GeneDx
Classification: Uncertain significance. Last evaluated: 2019-07-22. Review status: criteria provided, single submitter. Criteria: GeneDx Variant Classification Process June 2021. Collection method: clinical testing. Allele origin: germline. Affected: yes.
Comment: In silico analysis, which includes protein predictors and evolutionary conservation, supports that this variant does not alter protein structure/function